The following is an entry in ClinVar:

ClinVar aggregate classification (germline): Uncertain significance. Review status: criteria provided, multiple submitters, no conflicts (2 of 4 stars). 2 submissions from 2 submitters: Uncertain significance (2). Last evaluated 2026-02-02.

Allele frequency attached by ClinVar (database versions not stated): TOPMed 0.00013; ESP Exome Variant Server 0.00015; ExAC 0.00018; gnomAD exomes 0.00024; gnomAD 0.00029 and 0.00032.
gnomAD v4.1: 273 of 1,613,284 alleles (0.017%); highest among the groups gnomAD compares: Non-Finnish European, 0.018%; 2 homozygotes.

Submissions (2):

Labcorp Genetics (formerly Invitae), Labcorp
Classification: Uncertain significance. Last evaluated: 2026-02-02. Review status: criteria provided, single submitter. Criteria: Invitae Variant Classification Sherloc (09022015). Collection method: clinical testing. Allele origin: germline.
Comment: This sequence change replaces arginine, which is basic and polar, with glutamine, which is neutral and polar, at codon 422 of the SLC19A1 protein (p.Arg422Gln). This variant is present in population databases (rs374164733, gnomAD 0.09%). This variant has not been reported in the literature in individuals affected with SLC19A1-related conditions. ClinVar contains an entry for this variant (Variation ID: 1435535). An algorithm developed to predict the effect of missense changes on protein structure and function (PolyPhen-2) suggests that this variant is likely to be disruptive. In summary, the available evidence is currently insufficient to determine the role of this variant in disease. Therefore, it has been classified as a Variant of Uncertain Significance.

Ambry Genetics
Classification: Uncertain significance. Last evaluated: 2024-10-04. Review status: criteria provided, single submitter. Criteria: Ambry Variant Classification Scheme 2023. Collection method: clinical testing. Allele origin: germline.

NM_194255.4(SLC19A1):c.1265G>A (p.Arg422Gln)

Gene: SLC19A1 (solute carrier family 19 member 1; minus strand). Cytogenetic location: 21q22.3.
Variant type: single nucleotide variant.
Coding change: c.1265G>A on transcript NM_194255.4 (MANE Select); coding-DNA position 1265, G replaced by A.
Protein change: p.Arg422Gln; replaces arginine 422 with glutamine.
Molecular consequence: missense variant.
Genome position (GRCh38, 1-based): chr21:45,525,845, C>T on the plus strand (G>A on the coding strand, the complement: SLC19A1 is on the minus strand). VCF-style: chr21-45525845-C-T. GRCh37 (hg19) VCF-style: chr21-46945759-C-T.
Other names: c.1265G>A (NM_194255.2); c.1265G>A, p.Arg422Gln (NM_001205206.4, NM_001352511.3, NM_001352512.2); c.1145G>A, p.Arg382Gln (NM_001205207.3); c.911G>A, p.Arg304Gln (NM_001352510.2); short protein forms R304Q, R422Q, R382Q.
Identifiers: ClinVar variation 1435535 (VCV001435535.6), dbSNP rs374164733, ClinGen allele CA10068353.
Genomic context (GRCh38, chr21:45,525,845, plus strand): 5'-TCCCCGAGGACGCAGGCCTGAAATGGGCTCACCTGCTTGCGGACCGGGAGGCCCAGGCCC[C>T]GCACGTCCGAGACAATGAAAGTGATGATGGTCTTGACGATGGTGGCAAAGAACGTGTTGA-3'
Protein context (NP_919231.1, residues 412-432): TIITFIVSDV[Arg422Gln]GLGLPVRKQF